The following is an entry in ClinVar:

ClinVar aggregate classification (germline): Benign. Review status: criteria provided, multiple submitters, no conflicts (2 of 4 stars). 3 submissions from 2 submitters: Benign (3). Last evaluated 2018-01-13.

Conditions:
Cutis laxa. Identifiers: Orphanet 209, MedGen C0010495, MONDO:0016175, HP:0000973.
Macular degeneration, age-related, 3 (ARMD3). Identifiers: Orphanet 280598, MedGen C1837187, MONDO:0012145, OMIM 608895.

Allele frequency attached by ClinVar (database versions not stated): gnomAD 0.01197 and 0.01388; TOPMed 0.01289; 1000 Genomes Project 0.03155; 1000 Genomes Project 30x 0.03170.
gnomAD v4.1: 5,898 of 366,696 alleles (1.6%); highest among the groups gnomAD compares: South Asian, 7.6%; 209 homozygotes.

Submissions (3):

Illumina Laboratory Services, Illumina
Classification: Benign for Macular degeneration, age-related, 3. Last evaluated: 2018-01-13. Review status: criteria provided, single submitter. Criteria: ICSL Variant Classification Criteria 13 December 2019. Collection method: clinical testing. Allele origin: germline.
Comment: This variant was observed in the ICSL laboratory as part of a predisposition screen in an ostensibly healthy population. It had not been previously curated by ICSL or reported in the Human Gene Mutation Database (HGMD: prior to June 1st, 2018), and was therefore a candidate for classification through an automated scoring system. Utilizing variant allele frequency, disease prevalence and penetrance estimates, and inheritance mode, an automated score was calculated to assess if this variant is too frequent to cause the disease. Based on the score and internal cut-off values, a variant classified as benign is not then subjected to further curation. The score for this variant resulted in a classification of benign for this disease.

Illumina Laboratory Services, Illumina
Classification: Benign for Cutis laxa. Last evaluated: 2018-01-13. Review status: criteria provided, single submitter. Criteria: ICSL Variant Classification Criteria 13 December 2019. Collection method: clinical testing. Allele origin: germline.
Comment: the same text as in the submission from Illumina Laboratory Services, Illumina above.

Breakthrough Genomics
Classification: Benign. Review status: criteria provided, single submitter. Criteria: ACMG Guidelines, 2015. Collection method: not provided. Allele origin: germline. Inheritance: Autosomal recessive inheritance. Affected: yes.

NM_006329.4(FBLN5):c.*326G>A

Gene: FBLN5 (fibulin 5; minus strand). Cytogenetic location: 14q32.12.
Variant type: single nucleotide variant.
Coding change: c.*326G>A on transcript NM_006329.4 (MANE Select); 326 bases downstream of the stop codon, G replaced by A.
Molecular consequence: 3 prime UTR variant.
Genome position (GRCh38, 1-based): chr14:91,869,898, C>T on the plus strand (G>A on the coding strand, the complement: FBLN5 is on the minus strand). VCF-style: chr14-91869898-C-T. GRCh37 (hg19) VCF-style: chr14-92336242-C-T.
Other names: c.*326G>A (NM_001384158.1, NM_001384159.1, NM_001384162.1); c.*457G>A (NM_001384160.1, NM_001384161.1).
Identifiers: ClinVar variation 314869 (VCV000314869.6), dbSNP rs79375113, ClinGen allele CA10641274.
Genomic context (GRCh38, chr14:91,869,898, plus strand): 5'-GAAGGAGTGGAAGAGGTGAAGAAGTGACAGCAAGCTGTTCACAGTCTTTGAACATAGACT[C>T]AGACCCCCGCAAACCTAATCTATTTTCTTTGAAAATAGTGGAAATAAACTGAAGGCCTTG-3'